The following is an entry in ClinVar:

NM_000052.7(ATP7A):c.3517C>G (p.Leu1173Val)

Gene: ATP7A (ATPase copper transporting alpha; plus strand). Cytogenetic location: Xq21.1.
Variant type: single nucleotide variant.
Coding change: c.3517C>G on transcript NM_000052.7 (MANE Select); coding-DNA position 3517, C replaced by G.
Protein change: p.Leu1173Val; replaces leucine 1173 with valine.
Molecular consequence: missense variant. On other transcripts: non-coding transcript variant (1).
Genome position (GRCh38, 1-based): chrX:78,038,841, C>G. VCF-style: chrX-78038841-C-G. GRCh37 (hg19) VCF-style: chrX-77294339-C-G.
Other names: c.3283C>G, p.Leu1095Val (NM_001282224.2); short protein forms L1095V, L1173V.
Identifiers: ClinVar variation 4790642 (VCV004790642.1).

ClinVar aggregate classification (germline): Uncertain significance (1 of 4 stars; one submission).

Conditions:
Menkes kinky-hair syndrome (MNK). Also called: Menkes Disease; Copper transport disease; Classic Menkes Disease. Identifiers: Orphanet 565, MedGen C0022716, MONDO:0010651, OMIM 309400.
Cutis laxa, X-linked (OHS). Also called: EDS IX; Occipital horn syndrome. Identifiers: Orphanet 198, MedGen C0268353, MONDO:0010572, OMIM 304150.
X-linked distal spinal muscular atrophy type 3. Also called: ATP7A-Related Distal Motor Neuropathy; SPINAL MUSCULAR ATROPHY, DISTAL, X-LINKED RECESSIVE; NEURONOPATHY, DISTAL HEREDITARY MOTOR, X-LINKED; NEUROPATHY, DISTAL HEREDITARY MOTOR, X-LINKED. Identifiers: Orphanet 139557, MedGen C1845359, MONDO:0010338, OMIM 300489.

gnomAD v4.1: 1 of 1,208,872 alleles (0.000083%); highest among the groups gnomAD compares: African/African-American, 0.0017%; no homozygotes.

Submission:

Labcorp Genetics (formerly Invitae), Labcorp
Classification: Uncertain significance for X-linked distal spinal muscular atrophy type 3; Cutis laxa, X-linked; Menkes kinky-hair syndrome. Last evaluated: 2025-12-22. Review status: criteria provided, single submitter. Criteria: Invitae Variant Classification Sherloc (09022015). Collection method: clinical testing. Allele origin: germline.
Comment: This sequence change replaces leucine, which is neutral and non-polar, with valine, which is neutral and non-polar, at codon 1173 of the ATP7A protein (p.Leu1173Val). This variant is not present in population databases (gnomAD no frequency). This variant has not been reported in the literature in individuals affected with ATP7A-related conditions. Invitae Evidence Modeling of protein sequence and biophysical properties (such as structural, functional, and spatial information, amino acid conservation, physicochemical variation, residue mobility, and thermodynamic stability) indicates that this missense variant is not expected to disrupt ATP7A protein function with a negative predictive value of 95%. In summary, the available evidence is currently insufficient to determine the role of this variant in disease. Therefore, it has been classified as a Variant of Uncertain Significance.